The following is an entry in ClinVar:

NM_000138.5(FBN1):c.1518C>A (p.Asn506Lys)

Gene: FBN1 (fibrillin 1; minus strand). Cytogenetic location: 15q21.1.
Variant type: single nucleotide variant.
Coding change: c.1518C>A on transcript NM_000138.5 (MANE Select); coding-DNA position 1518, C replaced by A.
Protein change: p.Asn506Lys; replaces asparagine 506 with lysine.
Molecular consequence: missense variant.
Genome position (GRCh38, 1-based): chr15:48,513,619, G>T on the plus strand (C>A on the coding strand, the complement: FBN1 is on the minus strand). VCF-style: chr15-48513619-G-T. GRCh37 (hg19) VCF-style: chr15-48805816-G-T.
Other names: c.1518C>A, p.Asn506Lys (NM_001406716.1); short protein forms N506K.
Identifiers: ClinVar variation 4756398 (VCV004756398.1).

ClinVar aggregate classification (germline): Uncertain significance (1 of 4 stars; one submission).

Conditions:
Familial thoracic aortic aneurysm and aortic dissection (TAAD). Also called: Thoracic aortic aneurysms and dissections. Identifiers: Orphanet 91387, MedGen C4707243, MONDO:0019625.

Submission:

Color Diagnostics, LLC DBA Color Health
Classification: Uncertain significance for Familial thoracic aortic aneurysm and aortic dissection. Last evaluated: 2025-09-08. Review status: criteria provided, single submitter. Criteria: ACMG Guidelines, 2015. Collection method: clinical testing. Allele origin: germline.
Comment: This missense variant replaces asparagine with lysine at codon 506 of the FBN1 protein. Computational prediction suggests that this variant may have deleterious impact on protein structure and function. To our knowledge, functional studies have not been reported for this variant. This variant has not been reported in individuals affected with FBN1-related disorders in the literature. This variant has not been identified in the general population by the Genome Aggregation Database (gnomAD). The available evidence is insufficient to determine the role of this variant in disease conclusively. Therefore, this variant is classified as a Variant of Uncertain Significance.